The following is an entry in ClinVar:

ClinVar aggregate classification (germline): Uncertain significance (1 of 4 stars; one submission).

Conditions:
Neu-Laxova syndrome 2. Identifiers: Orphanet 2671, Orphanet 583602, MedGen C4015019, MONDO:0014466, OMIM 616038.

Allele frequency attached by ClinVar (database versions not stated): gnomAD exomes below 0.00001; TOPMed below 0.00001.
gnomAD v4.1: 3 of 1,610,496 alleles (0.00019%); highest among the groups gnomAD compares: Non-Finnish European, 0.00017%; no homozygotes.

Submission:

Labcorp Genetics (formerly Invitae), Labcorp
Classification: Uncertain significance for Neu-Laxova syndrome 2. Last evaluated: 2022-08-23. Review status: criteria provided, single submitter. Criteria: Invitae Variant Classification Sherloc (09022015). Collection method: clinical testing. Allele origin: germline.
Comment: In summary, the available evidence is currently insufficient to determine the role of this variant in disease. Therefore, it has been classified as a Variant of Uncertain Significance. Algorithms developed to predict the effect of missense changes on protein structure and function (SIFT, PolyPhen-2, Align-GVGD) all suggest that this variant is likely to be tolerated. ClinVar contains an entry for this variant (Variation ID: 1364212). This variant has not been reported in the literature in individuals affected with PSAT1-related conditions. This variant is not present in population databases (gnomAD no frequency). This sequence change replaces lysine, which is basic and polar, with arginine, which is basic and polar, at codon 27 of the PSAT1 protein (p.Lys27Arg).

NM_058179.4(PSAT1):c.80A>G (p.Lys27Arg)

Gene: PSAT1 (phosphoserine aminotransferase 1; plus strand). Cytogenetic location: 9q21.2.
Variant type: single nucleotide variant.
Coding change: c.80A>G on transcript NM_058179.4 (MANE Select); coding-DNA position 80, A replaced by G.
Protein change: p.Lys27Arg; replaces lysine 27 with arginine.
Molecular consequence: missense variant.
Genome position (GRCh38, 1-based): chr9:78,300,621, A>G. VCF-style: chr9-78300621-A-G. GRCh37 (hg19) VCF-style: chr9-80915537-A-G.
Other names: c.80A>G, p.Lys27Arg (NM_021154.5); short protein forms K27R.
Identifiers: ClinVar variation 1364212 (VCV001364212.8), dbSNP rs199858132, ClinGen allele CA194437583.